The following is an entry in ClinVar:

NM_000057.4(BLM):c.2171T>G (p.Val724Gly)

Gene: BLM (BLM RecQ like helicase; plus strand). Cytogenetic location: 15q26.1.
Variant type: single nucleotide variant.
Coding change: c.2171T>G on transcript NM_000057.4 (MANE Select); coding-DNA position 2171, T replaced by G.
Protein change: p.Val724Gly; replaces valine 724 with glycine.
Molecular consequence: missense variant.
Genome position (GRCh38, 1-based): chr15:90,765,392, T>G. VCF-style: chr15-90765392-T-G. GRCh37 (hg19) VCF-style: chr15-91308622-T-G.
Other names: c.2171T>G, p.Val724Gly (NM_001287246.2, NM_001287247.2); c.1046T>G, p.Val349Gly (NM_001287248.2); short protein forms V349G, V724G.
Identifiers: ClinVar variation 2160835 (VCV002160835.4), dbSNP rs750687788, ClinGen allele CA393844706.
Genomic context (GRCh38, chr15:90,765,392, plus strand): 5'-GTGTTTCTCCTGGGGTCACTGTTGTCATTTCTCCCTTGAGATCACTTATCGTAGATCAAG[T>G]CCAAAAGCTGACTTCCTTGGATGTAAGTTATAAAAATACTAATAAAAACACGCCTTAGAA-3'
Protein context (NP_000048.1, residues 714-734): SPLRSLIVDQ[Val724Gly]QKLTSLDIPA

ClinVar aggregate classification (germline): Uncertain significance (1 of 4 stars; one submission).

Conditions:
Bloom syndrome (BLM). Also called: Bloom-Torre-Machacek syndrome. Identifiers: Orphanet 125, MedGen C0005859, MONDO:0008876, OMIM 210900.

Submission:

Labcorp Genetics (formerly Invitae), Labcorp
Classification: Uncertain significance for Bloom syndrome. Last evaluated: 2022-09-18. Review status: criteria provided, single submitter. Criteria: Invitae Variant Classification Sherloc (09022015). Collection method: clinical testing. Allele origin: germline.
Comment: This variant is not present in population databases (gnomAD no frequency). This variant has not been reported in the literature in individuals affected with BLM-related conditions. Advanced modeling of protein sequence and biophysical properties (such as structural, functional, and spatial information, amino acid conservation, physicochemical variation, residue mobility, and thermodynamic stability) performed at Invitae indicates that this missense variant is expected to disrupt BLM protein function. In summary, the available evidence is currently insufficient to determine the role of this variant in disease. Therefore, it has been classified as a Variant of Uncertain Significance. This sequence change replaces valine, which is neutral and non-polar, with glycine, which is neutral and non-polar, at codon 724 of the BLM protein (p.Val724Gly).